The following is an entry in ClinVar:

ClinVar aggregate classification (germline): Uncertain significance. Review status: criteria provided, multiple submitters, no conflicts (2 of 4 stars). 3 submissions from 3 submitters: Uncertain significance (3). Last evaluated 2023-03-09.

Conditions:
Inborn genetic diseases. Identifiers: MedGen C0950123, MeSH D030342.
Kufor-Rakeb syndrome (KRS). Also called: PARKINSON DISEASE 9, AUTOSOMAL RECESSIVE, JUVENILE-ONSET. Identifiers: Orphanet 306674, Orphanet 314632, MedGen C1847640, MONDO:0011706, OMIM 606693.
Autosomal recessive spastic paraplegia type 78. Identifiers: Orphanet 513436, MedGen C5567893, MONDO:0014975, OMIM 617225.

Allele frequency attached by ClinVar (database versions not stated): gnomAD exomes below 0.00001; gnomAD 0.00004; TOPMed 0.00009.
gnomAD v4.1: 13 of 1,614,040 alleles (0.00081%); highest among the groups gnomAD compares: Admixed American, 0.015%; no homozygotes.

Submissions (3):

Labcorp Genetics (formerly Invitae), Labcorp
Classification: Uncertain significance for Kufor-Rakeb syndrome; Autosomal recessive spastic paraplegia type 78. Last evaluated: 2023-03-09. Review status: criteria provided, single submitter. Criteria: Invitae Variant Classification Sherloc (09022015). Collection method: clinical testing. Allele origin: germline.
Comment: ClinVar contains an entry for this variant (Variation ID: 645131). In summary, the available evidence is currently insufficient to determine the role of this variant in disease. Therefore, it has been classified as a Variant of Uncertain Significance. Advanced modeling of protein sequence and biophysical properties (such as structural, functional, and spatial information, amino acid conservation, physicochemical variation, residue mobility, and thermodynamic stability) performed at Invitae indicates that this missense variant is not expected to disrupt ATP13A2 protein function. This variant has not been reported in the literature in individuals affected with ATP13A2-related conditions. This variant is present in population databases (no rsID available, gnomAD 0.003%). This sequence change replaces threonine, which is neutral and polar, with isoleucine, which is neutral and non-polar, at codon 943 of the ATP13A2 protein (p.Thr943Ile).

Fulgent Genetics
Classification: Uncertain significance for Kufor-Rakeb syndrome; Autosomal recessive spastic paraplegia type 78. Last evaluated: 2021-07-11. Review status: criteria provided, single submitter. Criteria: ACMG Guidelines, 2015. Collection method: clinical testing. Allele origin: unknown.

Ambry Genetics
Classification: Uncertain significance for Inborn genetic diseases. Last evaluated: 2017-11-27. Review status: criteria provided, single submitter. Criteria: Ambry Variant Classification Scheme 2023. Collection method: clinical testing. Allele origin: germline.
Comment: The p.T943I variant (also known as c.2828C>T), located in coding exon 25 of the ATP13A2 gene, results from a C to T substitution at nucleotide position 2828. The threonine at codon 943 is replaced by isoleucine, an amino acid with similar properties. This amino acid position is not well conserved in available vertebrate species. In addition, this alteration is predicted to be tolerated by in silico analysis. Since supporting evidence is limited at this time, the clinical significance of this alteration remains unclear.

NM_022089.4(ATP13A2):c.2828C>T (p.Thr943Ile)

Gene: ATP13A2 (ATPase cation transporting 13A2; minus strand). Cytogenetic location: 1p36.13.
Variant type: single nucleotide variant.
Coding change: c.2828C>T on transcript NM_022089.4 (MANE Select); coding-DNA position 2828, C replaced by T.
Protein change: p.Thr943Ile; replaces threonine 943 with isoleucine.
Molecular consequence: missense variant.
Genome position (GRCh38, 1-based): chr1:16,988,169, G>A on the plus strand (C>T on the coding strand, the complement: ATP13A2 is on the minus strand). VCF-style: chr1-16988169-G-A. GRCh37 (hg19) VCF-style: chr1-17314664-G-A.
Other names: c.2813C>T, p.Thr938Ile (NM_001141973.3); c.2696C>T, p.Thr899Ile (NM_001141974.3); short protein forms T938I, T899I, T943I.
Identifiers: ClinVar variation 645131 (VCV000645131.7), dbSNP rs1401431520, ClinGen allele CA338237052.
Genomic context (GRCh38, chr1:16,988,169, plus strand): 5'-TCTGGGTACGGAGCTCTGCAGATACTCACCGTGTAGAGGATCAGGACGGAGATGAACTGG[G>A]TCAGGCTGTACAGAGCCATGTACTTGAAGACGCTGAACGAAGTGTCAAGGGAACAGCGCC-3'
Protein context (NP_071372.1, residues 933-953): VFKYMALYSL[Thr943Ile]QFISVLILYT